The following is an entry in ClinVar:

NM_002878.4(RAD51D):c.256A>G (p.Ile86Val)

Genes: RAD51L3-RFFL (RAD51L3-RFFL readthrough; minus strand), RAD51D (RAD51 paralog D; minus strand). Cytogenetic location: 17q12.
Variant type: single nucleotide variant.
Coding change: c.256A>G on transcript NM_002878.4 (MANE Select); coding-DNA position 256, A replaced by G.
Protein change: p.Ile86Val; replaces isoleucine 86 with valine.
Molecular consequence: missense variant. On other transcripts: intron variant (2).
Genome position (GRCh38, 1-based): chr17:35,118,508, T>C on the plus strand (A>G on the coding strand, the complement: RAD51D is on the minus strand). VCF-style: chr17-35118508-T-C. GRCh37 (hg19) VCF-style: chr17-33445527-T-C.
Other names: c.144+603A>G (NM_133629.3, NM_001142571.2); short protein forms I86V.
Identifiers: ClinVar variation 2625302 (VCV002625302.2), dbSNP rs587782063, ClinGen allele CA399091188.

ClinVar aggregate classification (germline): Uncertain significance (1 of 4 stars; one submission).

Conditions:
Hereditary cancer-predisposing syndrome. Also called: Tumor predisposition; Hereditary Cancer Syndrome; Hereditary neoplastic syndrome; Neoplastic Syndromes, Hereditary. Identifiers: Orphanet 140162, MedGen C0027672, MeSH D009386, MONDO:0015356.

Allele frequency attached by ClinVar (database versions not stated): TOPMed 0.00003.

Submission:

Ambry Genetics
Classification: Uncertain significance for Hereditary cancer-predisposing syndrome. Last evaluated: 2023-08-25. Review status: criteria provided, single submitter. Criteria: Ambry Variant Classification Scheme 2023. Collection method: clinical testing. Allele origin: germline.
Comment: The p.I86V variant (also known as c.256A>G), located in coding exon 3 of the RAD51D gene, results from an A to G substitution at nucleotide position 256. The isoleucine at codon 86 is replaced by valine, an amino acid with highly similar properties. This amino acid position is conserved. In addition, this alteration is predicted to be tolerated by in silico analysis. Since supporting evidence is limited at this time, the clinical significance of this alteration remains unclear.